The following is an entry in ClinVar:

NM_001371623.1(TCOF1):c.1448_1451del (p.Asp483fs)

Gene: TCOF1 (treacle ribosome biogenesis factor 1; plus strand). Cytogenetic location: 5q32.
Variant type: Deletion.
Coding change: c.1448_1451del on transcript NM_001371623.1 (MANE Select); coding-DNA positions 1448 to 1451, 4 bases deleted (ACAG; older notation c.1448_1451delACAG).
Protein change: p.Asp483fs; shifts the reading frame from aspartic acid 483.
Molecular consequence: frameshift variant.
Genome position (GRCh38, 1-based): chr5:150,375,123-150,375,126, ACAG deleted; deleting any 4 consecutive bases within chr5:150,375,120-150,375,126 gives the same sequence; the c. name uses the placement nearest the transcript's 3' end. VCF-style (leftmost placement, unchanged base first): chr5-150375119-TCAGA-T. GRCh37 (hg19) VCF-style: chr5-149754682-TCAGA-T.
Other names: c.1217_1220del, p.Asp406fs (NM_000356.4, NM_001135245.2); c.1448_1451del, p.Asp483fs (NM_001008657.3, NM_001135243.2, NM_001135244.2 and 1 more transcripts); c.1448_1451delACAG (NM_001135243.1); short protein forms D483fs, D406fs.
Identifiers: ClinVar variation 420429 (VCV000420429.6), dbSNP rs1064794474, ClinGen allele CA16618139.
Genomic context (GRCh38, chr5:150,375,119, plus strand): 5'-GCAGCCGCCCAGGTCCAGGTGGGGAAGCAGGAGGAGGACTCAAGAAGCAGCAGCGAGGAG[TCAGA>T]CAGTGACAGAGAGGCACTGGCAGCCATGAATGCAGCTCAGGTGAGGCTGGAAGCCGCCCT-3'

ClinVar aggregate classification (germline): Pathogenic/Likely pathogenic. Review status: criteria provided, multiple submitters, no conflicts (2 of 4 stars). 5 submissions from 5 submitters: Pathogenic (3); Likely pathogenic (1). 1 of the submissions does not count toward it. Last evaluated 2026-05-18.

Conditions:
TCOF1-related disorder. Also called: TCOF1-related condition.
Treacher Collins syndrome 1 (TCS1). Also called: TCOF1-Related Treacher Collins Syndrome. Identifiers: Orphanet 861, MedGen CN315775, MONDO:0007944, OMIM 154500.

Submissions (5):

PreventionGenetics, part of Exact Sciences
Classification: Pathogenic for TCOF1-related condition. Last evaluated: 2026-05-18. Review status: criteria provided, single submitter. Criteria: ACMG Guidelines, 2015. Collection method: clinical testing. Allele origin: germline.
Comment: The TCOF1 c.1448_1451delACAG variant is predicted to result in a frameshift and premature protein termination (p.Asp483Valfs*9). This variant has been reported as a de novo occurrence in an individual with Treacher Collins syndrome (reported as c.1445_1448del/p.D483Vfs*9 in Table S1, Xiao et al. 2023. PubMed ID: 37938362). This variant has not been reported in a large population database (gnomAD), indicating this variant is rare. Frameshift variants in TCOF1 are expected to be pathogenic. This variant is interpreted as pathogenic.

Labcorp Genetics (formerly Invitae), Labcorp
Classification: Pathogenic for Treacher Collins syndrome 1. Last evaluated: 2025-11-03. Review status: criteria provided, single submitter. Criteria: Invitae Variant Classification Sherloc (09022015). Collection method: clinical testing. Allele origin: germline.
Comment: This sequence change creates a premature translational stop signal (p.Asp483Valfs*9) in the TCOF1 gene. It is expected to result in an absent or disrupted protein product. Loss-of-function variants in TCOF1 are known to be pathogenic (PMID: 8894686, 22317976). This variant is not present in population databases (gnomAD no frequency). This premature translational stop signal has been observed in individual(s) with TCOF1-related conditions (PMID: 37938362). ClinVar contains an entry for this variant (Variation ID: 420429). For these reasons, this variant has been classified as Pathogenic.

Genesolutions, Medical Genetics Institutes, Ho Chi Minh City, Vietnam
Classification: Pathogenic for Treacher Collins syndrome 1. Last evaluated: 2025-09-24. Review status: criteria provided, single submitter. Criteria: ACMG Guidelines, 2015. Collection method: clinical testing. Allele origin: germline. Affected: yes.

GeneDx
Classification: Likely pathogenic. Last evaluated: 2016-01-25. Review status: criteria provided, single submitter. Criteria: GeneDx Variant Classification (06012015). Collection method: clinical testing. Allele origin: germline. Affected: yes.
Comment: The c.1448_1451delACAG likely pathogenic variant in the TCOF1 gene causes a frameshift starting with codon Aspartic acid 483, changes this amino acid to a Valine residue and creates a premature Stop codon at position 9 of the new reading frame, denoted p.Asp483ValfsX9. This variant is predicted to cause loss of normal protein function either through protein truncation or nonsense-mediated mRNA decay. In addition, the c.1448_1451delACAG variant was not observed in approximately 6,500 individuals of European and African American ancestry in the NHLBI Exome Sequencing Project, indicating it is not a common benign variant in these populations. Although c.1448_1451delACAG has not been previously reported to our knowledge, this variant is likely pathogenic; however, the possibility that it is benign cannot be excluded.

Autoinflammatory diseases unit, CHU de Montpellier
Classification: Pathogenic for Treacher Collins syndrome 1. Last evaluated: 2018-05-16. Review status: no assertion criteria provided. Collection method: clinical testing. Allele origin: unknown. Affected: yes. Not counted in ClinVar's aggregate classification.

Literature cited by the submitters: PubMed 8894686 (cited by Labcorp Genetics (formerly Invitae), Labcorp and Autoinflammatory diseases unit, CHU de Montpellier); PubMed 22317976 (cited by Labcorp Genetics (formerly Invitae), Labcorp and Autoinflammatory diseases unit, CHU de Montpellier); PubMed 37938362 (cited by Labcorp Genetics (formerly Invitae), Labcorp).